The following is an entry in ClinVar:

ClinVar aggregate classification (germline): Uncertain significance (1 of 4 stars; one submission).

Conditions:
Hereditary cancer-predisposing syndrome. Also called: Neoplastic Syndromes, Hereditary; Tumor predisposition; Hereditary Cancer Syndrome; Hereditary neoplastic syndrome. Identifiers: Orphanet 140162, MedGen C0027672, MeSH D009386, MONDO:0015356.

Submission:

Ambry Genetics
Classification: Uncertain significance for Hereditary cancer-predisposing syndrome. Last evaluated: 2026-03-02. Review status: criteria provided, single submitter. Criteria: Ambry Variant Classification Scheme 2023. Collection method: clinical testing. Allele origin: germline.
Comment: The p.E750* variant (also known as c.2248G>T), located in coding exon 20 of the POLE gene, results from a G to T substitution at nucleotide position 2248. This changes the amino acid from a glutamic acid to a stop codon within coding exon 20. This alteration is expected to result in loss of function by premature protein truncation or nonsense-mediated mRNA decay. Although biallelic loss of function of POLE has been associated with autosomal recessive POLE deficiency, haploinsufficiency of POLE has not been established as a mechanism of disease for POLE-related polymerase proofreading-associated polyposis (PPAP) and POLE-related CMMRD-like syndrome. Based on the supporting evidence, this variant is expected to be causative of POLE deficiency when present along with a second pathogenic variant on the other allele; however, its clinical significance for PPAP and POLE-related CMMRD-like syndrome is unclear.

NM_006231.4(POLE):c.2248G>T (p.Glu750Ter)

Gene: POLE (DNA polymerase epsilon, catalytic subunit; minus strand). Cytogenetic location: 12q24.33.
Variant type: single nucleotide variant.
Coding change: c.2248G>T on transcript NM_006231.4 (MANE Select); coding-DNA position 2248, G replaced by T.
Protein change: p.Glu750Ter; replaces glutamic acid 750 with a stop codon.
Molecular consequence: nonsense.
Genome position (GRCh38, 1-based): chr12:132,667,574, C>A on the plus strand (G>T on the coding strand, the complement: POLE is on the minus strand). VCF-style: chr12-132667574-C-A. GRCh37 (hg19) VCF-style: chr12-133244160-C-A.
Other names: short protein forms E750*.
Identifiers: ClinVar variation 4844284 (VCV004844284.1).
Genomic context (GRCh38, chr12:132,667,574, plus strand): 5'-CTTTGAACTCGTAACGCCTGTCCCGGAAGGCACGCACGGTGTCCACGTAGAAGGAGTTTT[C>A]CCGCTGGCAGATGGTGGTGAGACGCTCTTCCACCTTGGTGATGTGGATCTTCTTGTAGGC-3'